The following is an entry in ClinVar:

NM_000747.3(CHRNB1):c.290_291delinsAA (p.Gly97Glu)

Gene: CHRNB1 (cholinergic receptor nicotinic beta 1 subunit; plus strand). Cytogenetic location: 17p13.1.
Variant type: Indel.
Coding change: c.290_291delinsAA on transcript NM_000747.3 (MANE Select); coding-DNA positions 290 to 291, GC replaced by AA.
Protein change: p.Gly97Glu; replaces glycine 97 with glutamic acid.
Molecular consequence: missense variant.
Genome position (GRCh38, 1-based): chr17:7,446,879-7,446,880, GC replaced by AA. VCF-style: chr17-7446879-GC-AA. GRCh37 (hg19) VCF-style: chr17-7350198-GC-AA.
Other names: short protein forms G97E.
Identifiers: ClinVar variation 1373206 (VCV001373206.6), dbSNP rs2150838192, ClinGen allele CA2573154463.

ClinVar aggregate classification (germline): Uncertain significance (1 of 4 stars; one submission).

Conditions:
Congenital myasthenic syndrome 2A. Also called: Myasthenic syndrome, congenital, 2a, slow-channel. Identifiers: Orphanet 590, MedGen C4225374, MONDO:0014581, OMIM 616313.

Submission:

Labcorp Genetics (formerly Invitae), Labcorp
Classification: Uncertain significance for Congenital myasthenic syndrome 2A. Last evaluated: 2024-02-20. Review status: criteria provided, single submitter. Criteria: Invitae Variant Classification Sherloc (09022015). Collection method: clinical testing. Allele origin: germline.
Comment: This sequence change replaces glycine, which is neutral and non-polar, with glutamic acid, which is acidic and polar, at codon 97 of the CHRNB1 protein (p.Gly97Glu). Information on the frequency of this variant in the gnomAD database is not available, as this variant may be reported differently in the database. This variant has not been reported in the literature in individuals affected with CHRNB1-related conditions. ClinVar contains an entry for this variant (Variation ID: 1373206). An algorithm developed to predict the effect of missense changes on protein structure and function (PolyPhen-2) suggests that this variant is likely to be disruptive. In summary, the available evidence is currently insufficient to determine the role of this variant in disease. Therefore, it has been classified as a Variant of Uncertain Significance.